The following is an entry in ClinVar:

NM_002471.4(MYH6):c.4917C>T (p.Ala1639=)

Genes: MYH6 (myosin heavy chain 6; minus strand), LOC126861896 (BRD4-independent group 4 enhancer GRCh37_chr14:23854904-23856103; plus strand). Cytogenetic location: 14q11.2.
Variant type: single nucleotide variant.
Coding change: c.4917C>T on transcript NM_002471.4 (MANE Select); coding-DNA position 4917, C replaced by T.
Protein change: p.Ala1639=; no amino-acid change (alanine 1639 retained).
Molecular consequence: synonymous variant.
Genome position (GRCh38, 1-based): chr14:23,386,357, G>A on the plus strand (C>T on the coding strand, the complement: MYH6 is on the minus strand). VCF-style: chr14-23386357-G-A. GRCh37 (hg19) VCF-style: chr14-23855566-G-A.
Identifiers: ClinVar variation 1744084 (VCV001744084.4), dbSNP rs1411381315, ClinGen allele CA485764055.
Genomic context (GRCh38, chr14:23,386,357, plus strand): 5'-CCTCCCGCCCCCATGTACCTTCAGCAAGCTCTGGAGGCTCTTGACTTGCTTCTGGGCCTC[G>A]GCAGCCATGCGGTTGGCGTGGCTGAGCTGGATCTCCATCTCATTGAGGTCTCCTTCCATC-3'
Protein context (NP_002462.2, residues 1629-1649): IQLSHANRMA[Ala1639=]EAQKQVKSLQ

ClinVar aggregate classification (germline): Likely benign. Review status: criteria provided, single submitter (1 of 4 stars). 2 submissions from 2 submitters: Likely benign (1). 1 of the submissions does not count toward it. Last evaluated 2022-09-12.

Conditions:
MYH6-related disorder. Also called: MYH6-Related Disorders; MYH6-related condition.
Cardiovascular phenotype. Identifiers: MedGen CN230736.

Allele frequency attached by ClinVar (database versions not stated): TOPMed below 0.00001; gnomAD 0.00001; gnomAD exomes 0.00001.
gnomAD v4.1: 19 of 1,614,016 alleles (0.0012%); highest among the groups gnomAD compares: Admixed American, 0.0033%; no homozygotes.

Submissions (2):

Ambry Genetics
Classification: Likely benign for Cardiovascular phenotype. Last evaluated: 2022-09-12. Review status: criteria provided, single submitter. Criteria: Ambry Variant Classification Scheme 2023. Collection method: clinical testing. Allele origin: germline.

PreventionGenetics, part of Exact Sciences
Classification: Likely benign for MYH6-related condition. Last evaluated: 2020-10-26. Review status: no assertion criteria provided. Collection method: clinical testing. Allele origin: germline. Not counted in ClinVar's aggregate classification.
Comment: This variant is classified as likely benign based on ACMG/AMP sequence variant interpretation guidelines (Richards et al. 2015 PMID: 25741868, with internal and published modifications).